The following is an entry in ClinVar:

ClinVar aggregate classification (germline): Uncertain significance. Review status: criteria provided, multiple submitters, no conflicts (2 of 4 stars). 2 submissions from 2 submitters: Uncertain significance (2). Last evaluated 2025-08-20.

Conditions:
Developmental and epileptic encephalopathy 94 (DEE94). Also called: CHD2-Related Neurodevelopmental Disorders; Epileptic encephalopathy, childhood-onset. Identifiers: Orphanet 1942, Orphanet 2382, MedGen C3809278, MONDO:0014150, OMIM 615369.

Submissions (2):

Labcorp Genetics (formerly Invitae), Labcorp
Classification: Uncertain significance for Developmental and epileptic encephalopathy 94. Last evaluated: 2025-08-20. Review status: criteria provided, single submitter. Criteria: Invitae Variant Classification Sherloc (09022015). Collection method: clinical testing. Allele origin: germline.
Comment: This sequence change replaces methionine, which is neutral and non-polar, with valine, which is neutral and non-polar, at codon 1694 of the CHD2 protein (p.Met1694Val). This variant is present in population databases (rs752271228, gnomAD 0.006%). This variant has not been reported in the literature in individuals affected with CHD2-related conditions. Invitae Evidence Modeling of protein sequence and biophysical properties (such as structural, functional, and spatial information, amino acid conservation, physicochemical variation, residue mobility, and thermodynamic stability) indicates that this missense variant is not expected to disrupt CHD2 protein function with a negative predictive value of 95%. In summary, the available evidence is currently insufficient to determine the role of this variant in disease. Therefore, it has been classified as a Variant of Uncertain Significance.

Athena Diagnostics
Classification: Uncertain significance. Last evaluated: 2025-02-10. Review status: criteria provided, single submitter. Criteria: Athena Diagnostics Criteria. Collection method: clinical testing. Allele origin: unknown.
Comment: Available data are insufficient to determine the clinical significance of the variant at this time. The frequency of this variant in the general population is uninformative in assessment of its pathogenicity. Polyphen and MutationTaster predict this amino acid change may be benign.

NM_001271.4(CHD2):c.5080A>G (p.Met1694Val)

Gene: CHD2 (chromodomain helicase DNA binding protein 2; plus strand). Cytogenetic location: 15q26.1.
Variant type: single nucleotide variant.
Coding change: c.5080A>G on transcript NM_001271.4 (MANE Select); coding-DNA position 5080, A replaced by G.
Protein change: p.Met1694Val; replaces methionine 1694 with valine.
Molecular consequence: missense variant.
Genome position (GRCh38, 1-based): chr15:93,020,185, A>G. VCF-style: chr15-93020185-A-G. GRCh37 (hg19) VCF-style: chr15-93563415-A-G.
Other names: short protein forms M1694V.
Identifiers: ClinVar variation 4682251 (VCV004682251.2).